The following is an entry in ClinVar:

NM_001172509.2(SATB2):c.1741-2A>G

Genes: SATB2 (SATB homeobox 2; minus strand), LOC126806462 (MED14-independent group 3 enhancer GRCh37_chr2:200136608-200137807; plus strand). Cytogenetic location: 2q33.1.
Variant type: single nucleotide variant.
Coding change: c.1741-2A>G on transcript NM_001172509.2 (MANE Select); the canonical splice acceptor site of the intron before coding-DNA position 1741, A replaced by G.
Molecular consequence: splice acceptor variant.
Genome position (GRCh38, 1-based): chr2:199,272,674, T>C on the plus strand (A>G on the coding strand, the complement: SATB2 is on the minus strand). VCF-style: chr2-199272674-T-C. GRCh37 (hg19) VCF-style: chr2-200137397-T-C.
Other names: c.1741-2A>G (NM_001172517.1, NM_015265.4).
Identifiers: ClinVar variation 4278612 (VCV004278612.2).
Genomic context (GRCh38, chr2:199,272,674, plus strand): 5'-GCTTCTTCTCTGGGAGGGGAACTCTCCTTGGCTGGCTGAGACTGCTGTCTATGAAGTACC[T>C]GATAATTAAGAGAGAAAAAAATGAACACTGGACTCATGATTTTACCTTTCCAAAACCATC-3'

ClinVar aggregate classification (germline): Pathogenic (1 of 4 stars; one submission).

Submission:

GeneDx
Classification: Pathogenic. Last evaluated: 2026-03-31. Review status: criteria provided, single submitter. Criteria: GeneDx Variant Classification Process June 2021. Collection method: clinical testing. Allele origin: germline.
Comment: Canonical splice site variant predicted to result in an in-frame loss of the adjacent exon in a gene for which loss of function is a known mechanism of disease; Not observed at significant frequency in large population cohorts (gnomAD); Has not been previously published as pathogenic or benign to our knowledge